The following is an entry in ClinVar:

ClinVar aggregate classification (germline): Likely benign. Review status: criteria provided, multiple submitters, no conflicts (2 of 4 stars). 2 submissions from 2 submitters: Likely benign (2). Last evaluated 2025-10-18.

Conditions:
Dilated cardiomyopathy 1JJ (CMD1JJ). Identifiers: Orphanet 154, MedGen C3808935, MONDO:0014095, OMIM 615235.

Allele frequency attached by ClinVar (database versions not stated): gnomAD exomes 0.00001.
gnomAD v4.1: 4 of 1,614,136 alleles (0.00025%); highest among the groups gnomAD compares: East Asian, 0.0089%; no homozygotes.

Submissions (2):

Labcorp Genetics (formerly Invitae), Labcorp
Classification: Likely benign for Dilated cardiomyopathy 1JJ. Last evaluated: 2025-10-18. Review status: criteria provided, single submitter. Criteria: Invitae Variant Classification Sherloc (09022015). Collection method: clinical testing. Allele origin: germline.

Laboratory for Molecular Medicine, Mass General Brigham Personalized Medicine
Classification: Likely benign. Last evaluated: 2012-08-22. Review status: criteria provided, single submitter. Criteria: LMM Criteria. Collection method: clinical testing. Allele origin: germline. Observed: 1 variant allele.
Comment: Leu396Leu in exon 11 of LAMA4: This variant is not expected to have clinical sig nificance because it does not alter an amino acid residue and is not located wit hin the splice consensus sequence. Leu396Leu in exon 11 of LAMA4 (allele frequ ency = n/a)

NM_001105206.3(LAMA4):c.1209C>T (p.Leu403=)

Gene: LAMA4 (laminin subunit alpha 4; minus strand). Cytogenetic location: 6q21.
Variant type: single nucleotide variant.
Coding change: c.1209C>T on transcript NM_001105206.3 (MANE Select); coding-DNA position 1209, C replaced by T.
Protein change: p.Leu403=; no amino-acid change (leucine 403 retained).
Molecular consequence: synonymous variant.
Genome position (GRCh38, 1-based): chr6:112,175,461, G>A on the plus strand (C>T on the coding strand, the complement: LAMA4 is on the minus strand). VCF-style: chr6-112175461-G-A. GRCh37 (hg19) VCF-style: chr6-112496663-G-A.
Other names: c.1188C>T, p.Leu396= (NM_001105207.3, NM_002290.5).
Identifiers: ClinVar variation 44340 (VCV000044340.5), dbSNP rs397516715, ClinGen allele CA134001.